The following is an entry in ClinVar:

ClinVar aggregate classification (germline): Uncertain significance (1 of 4 stars; one submission).

Conditions:
Charcot-Marie-Tooth disease type 2. Also called: Charcot-Marie-Tooth type 2. Identifiers: Orphanet 64746, MedGen C0270914, MONDO:0018993.

Allele frequency attached by ClinVar (database versions not stated): TOPMed below 0.00001.

Submission:

Labcorp Genetics (formerly Invitae), Labcorp
Classification: Uncertain significance for Charcot-Marie-Tooth disease type 2. Last evaluated: 2024-05-07. Review status: criteria provided, single submitter. Criteria: Invitae Variant Classification Sherloc (09022015). Collection method: clinical testing. Allele origin: germline.
Comment: This sequence change affects the initiator methionine of the GARS mRNA. The next in-frame methionine is located at codon 55. This variant is not present in population databases (gnomAD no frequency). Disruption of the initiator codon has been observed in individual(s) with clinical features of autosomal dominant GARS-related conditions (Invitae). ClinVar contains an entry for this variant (Variation ID: 936043). Experimental studies and prediction algorithms are not available or were not evaluated, and the functional significance of this variant is currently unknown. In summary, the available evidence is currently insufficient to determine the role of this variant in disease. Therefore, it has been classified as a Variant of Uncertain Significance.

NM_002047.4(GARS1):c.1A>T (p.Met1Leu)

Gene: GARS1 (glycyl-tRNA synthetase 1; plus strand). Cytogenetic location: 7p14.3.
Variant type: single nucleotide variant.
Coding change: c.1A>T on transcript NM_002047.4 (MANE Select); coding-DNA position 1, A replaced by T.
Protein change: p.Met1Leu; changes the start codon (methionine 1).
Molecular consequence: missense variant, initiator codon variant. On other transcripts: 5 prime UTR variant (1).
Genome position (GRCh38, 1-based): chr7:30,594,922, A>T. VCF-style: chr7-30594922-A-T. GRCh37 (hg19) VCF-style: chr7-30634538-A-T.
Other names: c.-162A>T (NM_001316772.1); short protein forms M1L.
Identifiers: ClinVar variation 936043 (VCV000936043.9), dbSNP rs1345458433, ClinGen allele CA367138366.